The following is an entry in ClinVar:

ClinVar aggregate classification (germline): Benign/Likely benign. Review status: criteria provided, multiple submitters, no conflicts (2 of 4 stars). 10 submissions from 10 submitters: Benign (5); Likely benign (4). 1 of the submissions does not count toward it. Last evaluated 2026-01-28.

Conditions:
Primary ciliary dyskinesia 3. Identifiers: Orphanet 244, MedGen C1837618, MONDO:0012085, OMIM 608644.
Primary ciliary dyskinesia. Also called: Ciliary dyskinesia. Identifiers: Orphanet 244, MedGen C0008780, MONDO:0016575, HP:0012265.

Allele frequency attached by ClinVar (database versions not stated): gnomAD exomes 0.00070 and 0.00208; ExAC 0.00250; gnomAD 0.00756 and 0.00809; TOPMed 0.00819; ESP Exome Variant Server 0.00830; 1000 Genomes Project 30x 0.00968; 1000 Genomes Project 0.00998.
gnomAD v4.1: 2,212 of 1,614,170 alleles (0.14%); highest among the groups gnomAD compares: African/African-American, 2.5%; 18 homozygotes.

Submissions (10):

Labcorp Genetics (formerly Invitae), Labcorp
Classification: Benign for Primary ciliary dyskinesia. Last evaluated: 2026-01-28. Review status: criteria provided, single submitter. Criteria: Invitae Variant Classification Sherloc (09022015). Collection method: clinical testing. Allele origin: germline.

Blueprint Genetics
Classification: Likely benign. Last evaluated: 2024-10-09. Review status: criteria provided, single submitter. Criteria: ACMG Guidelines, 2015. Collection method: clinical testing. Allele origin: germline.

ARUP Laboratories, Molecular Genetics and Genomics, ARUP Laboratories
Classification: Benign for Primary ciliary dyskinesia 3. Last evaluated: 2023-09-21. Review status: criteria provided, single submitter. Criteria: ARUP Molecular Germline Variant Investigation Process 2024. Collection method: clinical testing. Allele origin: germline.

GeneDx
Classification: Likely benign. Last evaluated: 2021-01-19. Review status: criteria provided, single submitter. Criteria: GeneDx Variant Classification Process June 2021. Collection method: clinical testing. Allele origin: germline. Affected: yes.

Illumina Laboratory Services, Illumina
Classification: Likely benign for Primary ciliary dyskinesia 3. Last evaluated: 2018-01-12. Review status: criteria provided, single submitter. Criteria: ICSL Variant Classification Criteria 13 December 2019. Collection method: clinical testing. Allele origin: germline.
Comment: This variant was observed in the ICSL laboratory as part of a predisposition screen in an ostensibly healthy population. It had not been previously curated by ICSL or reported in the Human Gene Mutation Database (HGMD: prior to June 1st, 2018), and was therefore a candidate for classification through an automated scoring system. Utilizing variant allele frequency, disease prevalence and penetrance estimates, and inheritance mode, an automated score was calculated to assess if this variant is too frequent to cause the disease. Based on the score and internal cut-off values, a variant classified as likely benign is not then subjected to further curation. The score for this variant resulted in a classification of likely benign for this disease.

Ambry Genetics
Classification: Benign for Primary ciliary dyskinesia. Last evaluated: 2014-09-10. Review status: criteria provided, single submitter. Criteria: Ambry Variant Classification Scheme 2023. Collection method: clinical testing. Allele origin: germline.

Laboratory for Molecular Medicine, Mass General Brigham Personalized Medicine
Classification: Benign. Last evaluated: 2013-02-21. Review status: criteria provided, single submitter. Criteria: LMM Criteria. Collection method: clinical testing. Allele origin: germline. Observed: 1 variant allele.
Comment: Leu1742Leu in exon 32 of DNAH5: This variant is not expected to have clinical si gnificance because it does not alter an amino acid residue and is not located wi thin the splice consensus sequence. It has been identified in 2.4% (107/4406) of African American chromosomes from a broad population by the NHLBI Exome Sequenc ing Project (dbSNP rs35963491).

Breakthrough Genomics
Classification: Likely benign. Review status: criteria provided, single submitter. Criteria: ACMG Guidelines, 2015. Collection method: not provided. Allele origin: germline. Inheritance: Autosomal recessive inheritance. Affected: yes.

PreventionGenetics, part of Exact Sciences
Classification: Benign. Review status: criteria provided, single submitter. Criteria: ACMG Guidelines, 2015. Collection method: clinical testing. Allele origin: germline.

Natera, Inc.
Classification: Benign for Primary ciliary dyskinesia. Last evaluated: 2020-09-16. Review status: no assertion criteria provided. Collection method: clinical testing. Allele origin: germline. Not counted in ClinVar's aggregate classification.

NM_001369.3(DNAH5):c.5224T>C (p.Leu1742=)

Gene: DNAH5 (dynein axonemal heavy chain 5; minus strand). Cytogenetic location: 5p15.2.
Variant type: single nucleotide variant.
Coding change: c.5224T>C on transcript NM_001369.3 (MANE Select); coding-DNA position 5224, T replaced by C.
Protein change: p.Leu1742=; no amino-acid change (leucine 1742 retained).
Molecular consequence: synonymous variant.
Genome position (GRCh38, 1-based): chr5:13,844,884, A>G on the plus strand (T>C on the coding strand, the complement: DNAH5 is on the minus strand). VCF-style: chr5-13844884-A-G. GRCh37 (hg19) VCF-style: chr5-13844993-A-G.
Identifiers: ClinVar variation 226600 (VCV000226600.27), dbSNP rs35963491, ClinGen allele CA3203759.